The following is an entry in ClinVar:

NM_001244008.2(KIF1A):c.4554C>G (p.Ser1518Arg)

Gene: KIF1A (kinesin family member 1A; minus strand). Cytogenetic location: 2q37.3.
Variant type: single nucleotide variant.
Coding change: c.4554C>G on transcript NM_001244008.2 (MANE Select); coding-DNA position 4554, C replaced by G.
Protein change: p.Ser1518Arg; replaces serine 1518 with arginine.
Molecular consequence: missense variant.
Genome position (GRCh38, 1-based): chr2:240,722,567, G>C on the plus strand (C>G on the coding strand, the complement: KIF1A is on the minus strand). VCF-style: chr2-240722567-G-C. GRCh37 (hg19) VCF-style: chr2-241661984-G-C.
Other names: c.4278C>G, p.Ser1426Arg (NM_001320705.2, NM_001379649.1); c.4305C>G, p.Ser1435Arg (NM_001330289.2); c.4353C>G, p.Ser1451Arg (NM_001330290.2, NM_001379648.1); c.4629C>G, p.Ser1543Arg (NM_001379631.1); c.4530C>G, p.Ser1510Arg (NM_001379632.1); c.4527C>G, p.Ser1509Arg (NM_001379633.1, NM_001379645.1); c.4380C>G, p.Ser1460Arg (NM_001379634.1); c.4377C>G, p.Ser1459Arg (NM_001379635.1, NM_001379646.1); and 7 more; short protein forms S1426R, S1451R, S1518R, S1417R, S1435R, S1416R, S1425R, S1434R.
Identifiers: ClinVar variation 829846 (VCV000829846.5), dbSNP rs775395101, ClinGen allele CA351304169.

ClinVar aggregate classification (germline): Uncertain significance. Review status: criteria provided, single submitter (1 of 4 stars). 2 submissions from 2 submitters: Uncertain significance (1). 1 of the submissions does not count toward it. Last evaluated 2023-07-07.

Conditions:
Hereditary spastic paraplegia 30. Identifiers: Orphanet 101010, MedGen C5235139, MONDO:0012476.
Neuropathy, hereditary sensory, type 2C. Also called: KIF1A-Related HSAN2 (HSAN2C); Hereditary sensory and autonomic neuropathy type IIC. Identifiers: Orphanet 970, MedGen C3280168, MONDO:0013634, OMIM 614213.
Intellectual disability, autosomal dominant 9 (NESCAVS). Also called: KIF1A-Related Neurodevelopmental Disorder; NESCAV SYNDROME. Identifiers: Orphanet 662367, MedGen C5393830, MONDO:0013656, OMIM 614255.

Submissions (2):

Labcorp Genetics (formerly Invitae), Labcorp
Classification: Uncertain significance for Hereditary spastic paraplegia 30; Neuropathy, hereditary sensory, type 2C; Intellectual disability, autosomal dominant 9. Last evaluated: 2023-07-07. Review status: criteria provided, single submitter. Criteria: Invitae Variant Classification Sherloc (09022015). Collection method: clinical testing. Allele origin: germline.
Comment: This sequence change replaces serine, which is neutral and polar, with arginine, which is basic and polar, at codon 1417 of the KIF1A protein (p.Ser1417Arg). In summary, the available evidence is currently insufficient to determine the role of this variant in disease. Therefore, it has been classified as a Variant of Uncertain Significance. Advanced modeling of protein sequence and biophysical properties (such as structural, functional, and spatial information, amino acid conservation, physicochemical variation, residue mobility, and thermodynamic stability) performed at Invitae indicates that this missense variant is not expected to disrupt KIF1A protein function. ClinVar contains an entry for this variant (Variation ID: 829846). This variant has not been reported in the literature in individuals affected with KIF1A-related conditions. This variant is not present in population databases (gnomAD no frequency).

Bioscientia Institut fuer Medizinische Diagnostik GmbH, Sonic Healthcare
Classification: Uncertain significance for Intellectual disability, autosomal dominant 9. Last evaluated: 2019-05-27. Review status: no assertion criteria provided. Collection method: clinical testing. Allele origin: germline. Affected: yes. Not counted in ClinVar's aggregate classification.